The following is an entry in ClinVar:

ClinVar aggregate classification (germline): Conflicting classifications of pathogenicity. Review status: criteria provided, conflicting classifications (1 of 4 stars). 4 submissions from 4 submitters: Uncertain significance (1); Likely benign (2). 1 of the submissions does not count toward it. Last evaluated 2026-01-17.

Conditions:
PANK2-related disorder. Also called: PANK2-related condition.
Pigmentary pallidal degeneration (NBIA1). Also called: PKAN NEUROAXONAL DYSTROPHY, JUVENILE-ONSET; HARP SYNDROME; Pantothenate Kinase-Associated Neurodegeneration; Neuroaxonal dystrophy, late infantile; Hallervorden-Spatz disease; Neurodegeneration with brain iron accumulation 1. Identifiers: Orphanet 157850, MedGen C0018523, MONDO:0009319, OMIM 234200.

Submissions (4):

Labcorp Genetics (formerly Invitae), Labcorp
Classification: Likely benign for Pigmentary pallidal degeneration. Last evaluated: 2026-01-17. Review status: criteria provided, single submitter. Criteria: Invitae Variant Classification Sherloc (09022015). Collection method: clinical testing. Allele origin: germline.

Women's Health and Genetics/Laboratory Corporation of America, LabCorp
Classification: Uncertain significance. Last evaluated: 2025-01-06. Review status: criteria provided, single submitter. Criteria: LabCorp Variant Classification Summary - May 2015. Collection method: clinical testing. Allele origin: germline.
Comment: Variant summary: PANK2 c.1413-3_1413-2delCA alters a conserved nucleotide located close to a canonical splice site and therefore could affect mRNA splicing, leading to a significantly altered protein sequence. Consensus agreement among computation tools predict no significant impact on normal splicing. However, these predictions have yet to be confirmed by functional studies. The variant allele was found at a frequency of 0.00012 in 246082 control chromosomes. This frequency is not significantly higher than estimated for a pathogenic variant in PANK2 causing Pantothenate Kinase-Associated Neurodegeneration (0.00012 vs 0.0011), allowing no conclusion about variant significance. To our knowledge, no occurrence of c.1413-3_1413-2delCA in individuals affected with Pantothenate Kinase-Associated Neurodegeneration and no experimental evidence demonstrating its impact on protein function have been reported. ClinVar contains an entry for this variant (Variation ID: 773977). Based on the evidence outlined above, the variant was classified as uncertain significance.

Blueprint Genetics
Classification: Likely benign. Last evaluated: 2022-04-04. Review status: criteria provided, single submitter. Criteria: ACMG Guidelines, 2015. Collection method: clinical testing. Allele origin: germline.

PreventionGenetics, part of Exact Sciences
Classification: Likely benign for PANK2-related condition. Last evaluated: 2019-09-19. Review status: no assertion criteria provided. Collection method: clinical testing. Allele origin: germline. Not counted in ClinVar's aggregate classification.
Comment: This variant is classified as likely benign based on ACMG/AMP sequence variant interpretation guidelines (Richards et al. 2015 PMID: 25741868, with internal and published modifications).

NM_001386393.1(PANK2):c.1083-3_1083-2del

Gene: PANK2 (pantothenate kinase 2; plus strand). Cytogenetic location: 20p13.
Variant type: Microsatellite.
Coding change: c.1083-3_1083-2del on transcript NM_001386393.1 (MANE Select); 3 bases into the intron before coding-DNA position 1083 through the canonical splice acceptor site of the intron before coding-DNA position 1083, 2 bases deleted (CA; older notation c.1083-3_1083-2delCA).
Molecular consequence: splice acceptor variant.
Genome position (GRCh38, 1-based): chr20:3,916,924-3,916,925, CA deleted; deleting any 2 consecutive bases within chr20:3,916,922-3,916,925 gives the same sequence; the c. name uses the placement nearest the transcript's 3' end. VCF-style (leftmost placement, unchanged base first): chr20-3916921-TCA-T. GRCh37 (hg19) VCF-style: chr20-3897568-TCA-T.
Other names: c.540-3_540-2del (NM_024960.6, NM_001324191.2, NM_153640.4); c.1413-3_1413-2del (NM_153638.4); c.105-3_105-2del (NM_001324193.2); c.1413-3_1413-2delCA (NM_153638.4).
Identifiers: ClinVar variation 773977 (VCV000773977.15), dbSNP rs760705943, ClinGen allele CA9750862.